The following is an entry in ClinVar:

NC_000001.10:g.(?_17345376)_(17355241_?)dup

Gene: SDHB (succinate dehydrogenase complex iron sulfur subunit B; minus strand). Cytogenetic location: 1p36.13.
Variant type: Duplication.
Identifiers: ClinVar variation 1024381 (VCV001024381.13).

ClinVar aggregate classification (germline): Uncertain significance (1 of 4 stars; one submission).

Conditions:
Pheochromocytoma. Also called: MAX-Related Hereditary Paraganglioma-Pheochromocytoma Syndrome. Identifiers: Orphanet 29072, MedGen C0031511, MONDO:0008233, OMIM 171300, HP:0002666.
Gastrointestinal stromal tumor. Also called: Gastrointestinal stromal tumor, somatic; Gastrointestinal stroma tumor. Identifiers: Orphanet 44890, MedGen C0238198, MeSH D046152, MONDO:0011719, OMIM 606764, HP:0100723.
Pheochromocytoma/paraganglioma syndrome 4. Also called: CAROTID BODY TUMORS AND MULTIPLE EXTRAADRENAL PHEOCHROMOCYTOMAS; SDHB-Related Hereditary Paraganglioma-Pheochromocytoma Syndrome (Paragangliomas 4); Paragangliomas 4; SDHB-Related Hereditary Paraganglioma-Pheochromocytoma Syndrome; PARAGANGLIOMA, FAMILIAL MALIGNANT; PARAGANGLIOMAS, HEREDITARY EXTRAADRENAL. Identifiers: Orphanet 29072, MedGen C1861848, MONDO:0007273, OMIM 115310.

Submission:

Labcorp Genetics (formerly Invitae), Labcorp
Classification: Uncertain significance for Gastrointestinal stromal tumor; Pheochromocytoma/paraganglioma syndrome 4; Pheochromocytoma. Last evaluated: 2022-10-25. Review status: criteria provided, single submitter. Criteria: Invitae Variant Classification Sherloc (09022015). Collection method: clinical testing. Allele origin: germline.
Comment: This variant results in a copy number gain of the genomic region encompassing exon(s) 4-8 of the SDHB gene. This region includes the termination codon of the gene. This copy number gain extends beyond the assayed region for this gene and therefore may encompass additional genes. As the precise location of this event is unknown, it may be in tandem or it may be located elsewhere in the genome. This variant has not been reported in the literature in individuals affected with SDHB-related conditions. Experimental studies and prediction algorithms are not available or were not evaluated, and the functional significance of this variant is currently unknown. In summary, the available evidence is currently insufficient to determine the role of this variant in disease. Therefore, it has been classified as a Variant of Uncertain Significance.